The following is an entry in ClinVar:

NM_000330.4(RS1):c.327-5G>A

Genes: CDKL5 (cyclin dependent kinase like 5; plus strand), RS1 (retinoschisin 1; minus strand). Cytogenetic location: Xp22.13.
Variant type: single nucleotide variant.
Coding change: c.327-5G>A on transcript NM_000330.4 (MANE Select); 5 bases into the intron before coding-DNA position 327, G replaced by A.
Molecular consequence: intron variant.
Genome position (GRCh38, 1-based): chrX:18,644,630, C>T on the plus strand (G>A on the coding strand, the complement: RS1 is on the minus strand). VCF-style: chrX-18644630-C-T. GRCh37 (hg19) VCF-style: chrX-18662750-C-T.
Other names: c.2714-1377C>T (NM_003159.3, NM_001037343.2).
Identifiers: ClinVar variation 1166466 (VCV001166466.10), dbSNP rs773769605, ClinGen allele CA10360647.

ClinVar aggregate classification (germline): Conflicting classifications of pathogenicity. Review status: criteria provided, conflicting classifications (1 of 4 stars). 2 submissions from 2 submitters: Uncertain significance (1); Benign (1). Last evaluated 2026-06-11.

Conditions:
RS1-related disorder. Also called: RS1-related condition.

Allele frequency attached by ClinVar (database versions not stated): ExAC 0.00002; TOPMed 0.00004; gnomAD 0.00002.
gnomAD v4.1: 8 of 1,207,001 alleles (0.00066%); highest among the groups gnomAD compares: Non-Finnish European, 0.00078%; no homozygotes.

Submissions (2):

PreventionGenetics, part of Exact Sciences
Classification: Uncertain significance for RS1-related condition. Last evaluated: 2026-06-11. Review status: criteria provided, single submitter. Criteria: ACMG Guidelines, 2015. Collection method: clinical testing. Allele origin: germline.
Comment: The RS1 c.327-5G>A variant is predicted to interfere with splicing. To our knowledge, this variant has not been reported in the literature. This variant is predicted to alter splicing based on available splicing prediction programs (SpliceAI, Jaganathan et al. 2019. PubMed ID: 30661751). However, the use of computer prediction programs is not equivalent to functional evidence. This variant is reported in 0.0037% of alleles in individuals of European (Non-Finnish) descent in gnomAD. At this time, the clinical significance of this variant is uncertain due to the absence of conclusive functional and genetic evidence.

Labcorp Genetics (formerly Invitae), Labcorp
Classification: Benign. Last evaluated: 2024-02-05. Review status: criteria provided, single submitter. Criteria: Invitae Variant Classification Sherloc (09022015). Collection method: clinical testing. Allele origin: germline.